The following is an entry in ClinVar:

NM_001367624.2(ZNF469):c.1622A>G (p.Gln541Arg)

Gene: ZNF469 (zinc finger protein 469; plus strand). Cytogenetic location: 16q24.2.
Variant type: single nucleotide variant.
Coding change: c.1622A>G on transcript NM_001367624.2 (MANE Select); coding-DNA position 1622, A replaced by G.
Protein change: p.Gln541Arg; replaces glutamine 541 with arginine.
Molecular consequence: missense variant.
Genome position (GRCh38, 1-based): chr16:88,429,092, A>G. VCF-style: chr16-88429092-A-G. GRCh37 (hg19) VCF-style: chr16-88495500-A-G.
Other names: NM_001127464.1:c.1622A>G; short protein forms Q541R.
Identifiers: ClinVar variation 5032226 (VCV005032226.1).

ClinVar aggregate classification (germline): Uncertain significance (1 of 4 stars; one submission).

Conditions:
Cardiovascular phenotype. Identifiers: MedGen CN230736.

Submission:

Ambry Genetics
Classification: Uncertain significance for Cardiovascular phenotype. Last evaluated: 2026-07-21. Review status: criteria provided, single submitter. Criteria: Ambry Variant Classification Scheme 2023. Collection method: clinical testing. Allele origin: germline.
Comment: The p.Q541R variant (also known as c.1622A>G), located in coding exon 1 of the ZNF469 gene, results from an A to G substitution at nucleotide position 1622. The glutamine at codon 541 is replaced by arginine, an amino acid with highly similar properties. This amino acid position is conserved. In addition, this alteration is predicted to be tolerated by in silico analysis. Based on the available evidence, the clinical significance of this variant remains unclear.